The following is an entry in ClinVar:

NM_003221.4(TFAP2B):c.214C>T (p.Pro72Ser)

Gene: TFAP2B (transcription factor AP-2 beta; plus strand). Cytogenetic location: 6p12.3.
Variant type: single nucleotide variant.
Coding change: c.214C>T on transcript NM_003221.4 (MANE Select); coding-DNA position 214, C replaced by T.
Protein change: p.Pro72Ser; replaces proline 72 with serine.
Molecular consequence: missense variant.
Genome position (GRCh38, 1-based): chr6:50,823,539, C>T. VCF-style: chr6-50823539-C-T. GRCh37 (hg19) VCF-style: chr6-50791252-C-T.
Other names: short protein forms P72S.
Identifiers: ClinVar variation 4881241 (VCV004881241.2).
Genomic context (GRCh38, chr6:50,823,539, plus strand): 5'-TCGAGCGCCCCGCCGCTGTCCCACACCCCGTCGTCGGACTTCCAGCCGCCCTACTTCCCA[C>T]CCCCCTACCAGCCGCTCCCCTACCACCAGAGCCAGGACCCCTACTCCCACGTCAACGACC-3'
Protein context (NP_003212.2, residues 62-82): SSDFQPPYFP[Pro72Ser]PYQPLPYHQS

ClinVar aggregate classification (germline): Uncertain significance (1 of 4 stars; one submission).

Conditions:
Char syndrome (CHAR). Also called: PATENT DUCTUS ARTERIOSUS WITH FACIAL DYSMORPHISM AND ABNORMAL FIFTH DIGITS. Identifiers: Orphanet 46627, MedGen C1868570, MONDO:0008209, OMIM 169100.

Submission:

Dasa
Classification: Uncertain significance for Char syndrome. Last evaluated: 2025-12-04. Review status: criteria provided, single submitter. Criteria: DASA Assertion Criteria. Collection method: clinical testing. Allele origin: germline.
Comment: NM_003221.4(TFAP2B):c.214C>T (p.Pro72Ser) is a missense variant that results in the substitution of proline with serine. This variant is absent from population databases. Computational prediction algorithms are consistent with a deleterious effect. The currently available literature and clinical evidence are not sufficient to establish a definitive association between this variant and the reported condition. Therefore, this variant is classified as a variant of uncertain significance.